The following is an entry in ClinVar:

NM_001308210.2(TSHZ1):c.1340C>T (p.Ser447Leu)

Genes: TSHZ1 (teashirt zinc finger homeobox 1; plus strand), LOC125371439 (Sharpr-MPRA regulatory region 9768; plus strand). Cytogenetic location: 18q22.3.
Variant type: single nucleotide variant.
Coding change: c.1340C>T on transcript NM_001308210.2 (MANE Select); coding-DNA position 1340, C replaced by T.
Protein change: p.Ser447Leu; replaces serine 447 with leucine.
Molecular consequence: missense variant.
Genome position (GRCh38, 1-based): chr18:75,286,747, C>T. VCF-style: chr18-75286747-C-T. GRCh37 (hg19) VCF-style: chr18-72998702-C-T.
Other names: c.1205C>T, p.Ser402Leu (NM_005786.6); short protein forms S402L, S447L.
Identifiers: ClinVar variation 3030887 (VCV003030887.2), dbSNP rs568803492, ClinGen allele CA9002013.

ClinVar aggregate classification (germline): Uncertain significance (0 of 4 stars; one submission).

Conditions:
TSHZ1-related disorder. Also called: TSHZ1-related condition.

Allele frequency attached by ClinVar (database versions not stated): gnomAD exomes below 0.00001; gnomAD 0.00001; TOPMed 0.00001; ExAC 0.00002; 1000 Genomes Project 30x 0.00016; 1000 Genomes Project 0.00020.
gnomAD v4.1: 9 of 1,613,574 alleles (0.00056%); highest among the groups gnomAD compares: East Asian, 0.0022%; no homozygotes.

Submission:

PreventionGenetics, part of Exact Sciences
Classification: Uncertain significance for TSHZ1-related condition. Last evaluated: 2024-01-10. Review status: no assertion criteria provided. Collection method: clinical testing. Allele origin: germline.
Comment: The TSHZ1 c.1205C>T variant is predicted to result in the amino acid substitution p.Ser402Leu. To our knowledge, this variant has not been reported in the literature. This variant is reported in 0.0054% of alleles in individuals of East Asian descent in gnomAD. At this time, the clinical significance of this variant is uncertain due to the absence of conclusive functional and genetic evidence.